The following is an entry in ClinVar:

ClinVar aggregate classification (germline): Uncertain significance (1 of 4 stars; one submission).

Conditions:
Neurofibromatosis, type 1 (NF1). Also called: VON RECKLINGHAUSEN DISEASE; Peripheral type neurofibromatosis; NEUROFIBROMATOSIS, TYPE I, SOMATIC; Neurofibromatosis, type I. Identifiers: Orphanet 636, MedGen C0027831, MONDO:0018975, OMIM 162200. Disease mechanism: loss of function.

Submission:

Labcorp Genetics (formerly Invitae), Labcorp
Classification: Uncertain significance for Neurofibromatosis, type 1. Last evaluated: 2024-07-14. Review status: criteria provided, single submitter. Criteria: Invitae Variant Classification Sherloc (09022015). Collection method: clinical testing. Allele origin: germline.
Comment: This sequence change replaces glutamine, which is neutral and polar, with glutamic acid, which is acidic and polar, at codon 129 of the NF1 protein (p.Gln129Glu). This variant is not present in population databases (gnomAD no frequency). This variant has not been reported in the literature in individuals affected with NF1-related conditions. Advanced modeling of protein sequence and biophysical properties (such as structural, functional, and spatial information, amino acid conservation, physicochemical variation, residue mobility, and thermodynamic stability) performed at Invitae indicates that this missense variant is expected to disrupt NF1 protein function with a positive predictive value of 80%. In summary, the available evidence is currently insufficient to determine the role of this variant in disease. Therefore, it has been classified as a Variant of Uncertain Significance.

NM_001042492.3(NF1):c.385C>G (p.Gln129Glu)

Gene: NF1 (neurofibromin 1; plus strand). Cytogenetic location: 17q11.2.
Variant type: single nucleotide variant.
Coding change: c.385C>G on transcript NM_001042492.3 (MANE Select); coding-DNA position 385, C replaced by G.
Protein change: p.Gln129Glu; replaces glutamine 129 with glutamic acid.
Molecular consequence: missense variant.
Genome position (GRCh38, 1-based): chr17:31,163,282, C>G. VCF-style: chr17-31163282-C-G. GRCh37 (hg19) VCF-style: chr17-29490300-C-G.
Other names: c.385C>G, p.Gln129Glu (NM_000267.4, NM_001128147.3); short protein forms Q129E.
Identifiers: ClinVar variation 3631520 (VCV003631520.2).
Genomic context (GRCh38, chr17:31,163,282, plus strand): 5'-CTGGTCAAACAGTTGCTGCCAGAAATCTGCCATTTTCTTCACACCTGTCGTGAAGGAAAC[C>G]AGCATGCAGCTGAACTTCGGAATTCTGCCTCTGGGGTTTTATTTTCTCTCAGCTGCAACA-3'
Protein context (NP_001035957.1, residues 119-139): HFLHTCREGN[Gln129Glu]HAAELRNSAS